The following is an entry in ClinVar:

ClinVar aggregate classification (germline): Uncertain significance. Review status: criteria provided, multiple submitters, no conflicts (2 of 4 stars). 2 submissions from 2 submitters: Uncertain significance (2). Last evaluated 2026-05-29.

Conditions:
Spinocerebellar ataxia type 15/16 (SCA15). Also called: Spinocerebellar Ataxia Type 15. Identifiers: Orphanet 98769, MedGen C1847725, MONDO:0011694, OMIM 606658.

Allele frequency attached by ClinVar (database versions not stated): TOPMed below 0.00001; ExAC 0.00001; gnomAD 0.00001; gnomAD exomes below 0.00001.
gnomAD v4.1: 6 of 1,613,692 alleles (0.00037%); highest among the groups gnomAD compares: African/African-American, 0.0013%; no homozygotes.

Submissions (2):

MVZ Martinsried, Medicover Genetics
Classification: Uncertain significance for Spinocerebellar ataxia type 15/16. Last evaluated: 2026-05-29. Review status: criteria provided, single submitter. Criteria: ClinGen Variant Curation SOP V3.2 + Classification Guidance July2025. Collection method: clinical testing. Allele origin: inherited. Observed: 1 heterozygote.

Labcorp Genetics (formerly Invitae), Labcorp
Classification: Uncertain significance. Last evaluated: 2022-03-28. Review status: criteria provided, single submitter. Criteria: Invitae Variant Classification Sherloc (09022015). Collection method: clinical testing. Allele origin: germline.
Comment: This sequence change replaces arginine, which is basic and polar, with tryptophan, which is neutral and slightly polar, at codon 1523 of the ITPR1 protein (p.Arg1523Trp). This variant is present in population databases (rs765591834, gnomAD 0.0009%). This variant has not been reported in the literature in individuals affected with ITPR1-related conditions. Algorithms developed to predict the effect of missense changes on protein structure and function are either unavailable or do not agree on the potential impact of this missense change (SIFT: "Deleterious"; PolyPhen-2: "Probably Damaging"; Align-GVGD: "Class C0"). In summary, the available evidence is currently insufficient to determine the role of this variant in disease. Therefore, it has been classified as a Variant of Uncertain Significance.

NM_001378452.1(ITPR1):c.4639C>T (p.Arg1547Trp)

Gene: ITPR1 (inositol 1,4,5-trisphosphate receptor type 1; plus strand). Cytogenetic location: 3p26.1.
Variant type: single nucleotide variant.
Coding change: c.4639C>T on transcript NM_001378452.1 (MANE Select); coding-DNA position 4639, C replaced by T.
Protein change: p.Arg1547Trp; replaces arginine 1547 with tryptophan.
Molecular consequence: missense variant.
Genome position (GRCh38, 1-based): chr3:4,702,932, C>T. VCF-style: chr3-4702932-C-T. GRCh37 (hg19) VCF-style: chr3-4744616-C-T.
Other names: c.4612C>T, p.Arg1538Trp (NM_001099952.4); c.4594C>T, p.Arg1532Trp (NM_001168272.2); c.4567C>T, p.Arg1523Trp (NM_002222.7); short protein forms R1523W, R1547W, R1532W, R1538W.
Identifiers: ClinVar variation 2118871 (VCV002118871.2), dbSNP rs765591834, ClinGen allele CA2232055.
Genomic context (GRCh38, chr3:4,702,932, plus strand): 5'-AGGGTTTACCACTGCAACTGGTTAATGCCAAGCCAAAAAGCCTCCGTGGAGAGCTGTATT[C>T]GGGTGCTGTCTGATGTAGGTAAGATACCAAGTCAGTTTGGATATACGTGATGAAAATGAA-3'
Protein context (NP_001365381.1, residues 1537-1557): SQKASVESCI[Arg1547Trp]VLSDVAKSRA